The following is an entry in ClinVar:

ClinVar aggregate classification (germline): Uncertain significance (1 of 4 stars; one submission).

Conditions:
Ehlers-Danlos syndrome, classic type, 1 (EDSCL1). Also called: Ehlers-Danlos Syndrome, Classic Type, COL5A1-Related; EHLERS-DANLOS SYNDROME, GRAVIS TYPE; EHLERS-DANLOS SYNDROME, SEVERE CLASSIC TYPE; Ehlers-Danlos syndrome, type 1; EDS I. Identifiers: MedGen C0268335, MONDO:0019567, OMIM 130000.
Osteogenesis imperfecta type I (OI1). Also called: OI, TYPE I; OSTEOGENESIS IMPERFECTA TARDA; OSTEOGENESIS IMPERFECTA WITH BLUE SCLERAE; Osteogenesis imperfecta type 1; Classic Non-deforming Osteogenesis Imperfecta with Blue Sclerae; Lobstein's Disease. Identifiers: Orphanet 216796, Orphanet 666, MedGen C0023931, MONDO:0008146, OMIM 166200. Disease mechanism: loss of function.

Allele frequency attached by ClinVar (database versions not stated): gnomAD exomes below 0.00001.
gnomAD v4.1: 3 of 1,614,102 alleles (0.00019%); highest among the groups gnomAD compares: Non-Finnish European, 0.00025%; no homozygotes.

Submission:

Labcorp Genetics (formerly Invitae), Labcorp
Classification: Uncertain significance for Osteogenesis imperfecta type I; Ehlers-Danlos syndrome, classic type, 1. Last evaluated: 2025-12-01. Review status: criteria provided, single submitter. Criteria: Invitae Variant Classification Sherloc (09022015). Collection method: clinical testing. Allele origin: germline.
Comment: This sequence change replaces tyrosine, which is neutral and polar, with histidine, which is basic and polar, at codon 1278 of the COL1A2 protein (p.Tyr1278His). This variant is present in population databases (no rsID available, gnomAD 0.002%). This variant has not been reported in the literature in individuals affected with COL1A2-related conditions. ClinVar contains an entry for this variant (Variation ID: 2168620). Invitae Evidence Modeling of protein sequence and biophysical properties (such as structural, functional, and spatial information, amino acid conservation, physicochemical variation, residue mobility, and thermodynamic stability) has been performed for this missense variant. However, the output from this modeling did not meet the statistical confidence thresholds required to predict the impact of this variant on COL1A2 protein function. In summary, the available evidence is currently insufficient to determine the role of this variant in disease. Therefore, it has been classified as a Variant of Uncertain Significance.

NM_000089.4(COL1A2):c.3832T>C (p.Tyr1278His)

Gene: COL1A2 (collagen type I alpha 2 chain; plus strand). Cytogenetic location: 7q21.3.
Variant type: single nucleotide variant.
Coding change: c.3832T>C on transcript NM_000089.4 (MANE Select); coding-DNA position 3832, T replaced by C.
Protein change: p.Tyr1278His; replaces tyrosine 1278 with histidine.
Molecular consequence: missense variant.
Genome position (GRCh38, 1-based): chr7:94,429,308, T>C. VCF-style: chr7-94429308-T-C. GRCh37 (hg19) VCF-style: chr7-94058620-T-C.
Other names: short protein forms Y1278H.
Identifiers: ClinVar variation 2168620 (VCV002168620.4), dbSNP rs1436560123, ClinGen allele CA368226848.